The following is an entry in ClinVar:

NM_001164508.2(NEB):c.25132A>G (p.Ser8378Gly)

Genes: NEB (nebulin; minus strand), RIF1 (replication timing regulatory factor 1; plus strand). Cytogenetic location: 2q23.3.
Variant type: single nucleotide variant.
Coding change: c.25132A>G on transcript NM_001164508.2 (MANE Select); coding-DNA position 25132, A replaced by G.
Protein change: p.Ser8378Gly; replaces serine 8378 with glycine.
Molecular consequence: missense variant.
Genome position (GRCh38, 1-based): chr2:151,491,701, T>C on the plus strand (A>G on the coding strand, the complement: NEB is on the minus strand). VCF-style: chr2-151491701-T-C. GRCh37 (hg19) VCF-style: chr2-152348215-T-C.
Other names: c.25132A>G, p.Ser8378Gly (NM_001164507.2); c.25237A>G, p.Ser8413Gly (NM_001271208.2); c.19564A>G, p.Ser6522Gly (NM_004543.5); short protein forms S8413G, S6522G, S8378G.
Identifiers: ClinVar variation 1937917 (VCV001937917.2), dbSNP rs1559129941, ClinGen allele CA348771506.

ClinVar aggregate classification (germline): Uncertain significance (1 of 4 stars; one submission).

Conditions:
Nemaline myopathy 2 (NEM2). Also called: Nemaline myopathy 2, autosomal recessive. Identifiers: MedGen C1850569, MONDO:0009725, OMIM 256030.

Allele frequency attached by ClinVar (database versions not stated): gnomAD exomes below 0.00001.
gnomAD v4.1: 1 of 1,595,588 alleles (0.000063%); highest among the groups gnomAD compares: Non-Finnish European, 0.000085%; no homozygotes.

Submission:

Labcorp Genetics (formerly Invitae), Labcorp
Classification: Uncertain significance for Nemaline myopathy 2. Last evaluated: 2021-04-01. Review status: criteria provided, single submitter. Criteria: Invitae Variant Classification Sherloc (09022015). Collection method: clinical testing. Allele origin: germline.
Comment: This sequence change replaces serine with glycine at codon 8413 of the NEB protein (p.Ser8413Gly). The serine residue is moderately conserved and there is a small physicochemical difference between serine and glycine. This variant is not present in population databases (ExAC no frequency). This variant has not been reported in the literature in individuals with NEB-related conditions. Algorithms developed to predict the effect of missense changes on protein structure and function are either unavailable or do not agree on the potential impact of this missense change (SIFT: "Deleterious"; PolyPhen-2: "Not Available"; Align-GVGD: "Class C0"). In summary, the available evidence is currently insufficient to determine the role of this variant in disease. Therefore, it has been classified as a Variant of Uncertain Significance.